The following is an entry in ClinVar:

ClinVar aggregate classification (germline): Uncertain significance (1 of 4 stars; one submission).

gnomAD v4.1: 1 of 1,200,709 alleles (0.000083%); highest among the groups gnomAD compares: Non-Finnish European, 0.00011%; no homozygotes.

Submissions (2):

GeneDx
Classification: Uncertain significance. Last evaluated: 2024-07-11. Review status: criteria provided, single submitter. Criteria: GeneDx Variant Classification Process June 2021. Collection method: clinical testing. Allele origin: germline. Affected: yes.
Comment: Not observed at significant frequency in large population cohorts (gnomAD); In silico analysis supports that this missense variant has a deleterious effect on protein structure/function; Has not been previously published as pathogenic or benign to our knowledge

Dr. Peter K. Rogan Lab, Western University
No classification provided (evidence only). Condition: Thyroid cancer, nonmedullary, 1. Review status: no classification provided. Collection method: in vitro. Allele origin: not applicable. Functional consequence: retained intron. Not counted in ClinVar's aggregate classification.

NM_001257291.2(SLC9A7):c.1342G>A (p.Gly448Arg)

Gene: SLC9A7 (solute carrier family 9 member A7; minus strand). Cytogenetic location: Xp11.3.
Variant type: single nucleotide variant.
Coding change: c.1342G>A on transcript NM_001257291.2 (MANE Select); coding-DNA position 1342, G replaced by A.
Protein change: p.Gly448Arg; replaces glycine 448 with arginine.
Molecular consequence: missense variant.
Genome position (GRCh38, 1-based): chrX:46,651,118, C>T on the plus strand (G>A on the coding strand, the complement: SLC9A7 is on the minus strand). VCF-style: chrX-46651118-C-T. GRCh37 (hg19) VCF-style: chrX-46510553-C-T.
Other names: NC_000023.10:g.46510553C>T; c.1339G>A, p.Gly447Arg (NM_032591.3); short protein forms G447R, G448R.
Identifiers: ClinVar variation 3573610 (VCV003573610.2).